The following is an entry in ClinVar:

ClinVar aggregate classification (germline): Benign/Likely benign. Review status: criteria provided, multiple submitters, no conflicts (2 of 4 stars). 2 submissions from 2 submitters: Benign (1); Likely benign (1). Last evaluated 2026-04-29.

Conditions:
Colorectal cancer, hereditary nonpolyposis, type 7. Identifiers: Orphanet 144, MedGen C1858380, MONDO:0013725, OMIM 614385.

gnomAD v4.1: 2 of 1,614,032 alleles (0.00012%); highest among the groups gnomAD compares: East Asian, 0.0022%; no homozygotes.

Submissions (2):

Myriad Genetics, Inc.
Classification: Benign for Colorectal cancer, hereditary nonpolyposis, type 7. Last evaluated: 2026-04-29. Review status: criteria provided, single submitter. Criteria: Myriad Autosomal Dominant, Autosomal Recessive and X-Linked Classification Criteria (2023). Collection method: clinical testing. Allele origin: unknown.
Comment: This variant is considered benign. This variant is a silent/synonymous amino acid change and it is not expected to impact splicing.

Ambry Genetics
Classification: Likely benign. Last evaluated: 2024-08-02. Review status: criteria provided, single submitter. Criteria: Ambry Variant Classification Scheme 2023. Collection method: clinical testing. Allele origin: germline.

NM_001040108.2(MLH3):c.927T>C (p.Asn309=)

Gene: MLH3 (mutL homolog 3; minus strand). Cytogenetic location: 14q24.3.
Variant type: single nucleotide variant.
Coding change: c.927T>C on transcript NM_001040108.2 (MANE Select); coding-DNA position 927, T replaced by C.
Protein change: p.Asn309=; no amino-acid change (asparagine 309 retained).
Molecular consequence: synonymous variant.
Genome position (GRCh38, 1-based): chr14:75,048,729, A>G on the plus strand (T>C on the coding strand, the complement: MLH3 is on the minus strand). VCF-style: chr14-75048729-A-G. GRCh37 (hg19) VCF-style: chr14-75515432-A-G.
Other names: c.927T>C, p.Asn309= (NM_014381.3).
Identifiers: ClinVar variation 3396679 (VCV003396679.2).